The following is an entry in ClinVar:

NM_203447.4(DOCK8):c.3803T>G (p.Phe1268Cys)

Gene: DOCK8 (dedicator of cytokinesis 8; plus strand). Cytogenetic location: 9p24.3.
Variant type: single nucleotide variant.
Coding change: c.3803T>G on transcript NM_203447.4 (MANE Select); coding-DNA position 3803, T replaced by G.
Protein change: p.Phe1268Cys; replaces phenylalanine 1268 with cysteine.
Molecular consequence: missense variant.
Genome position (GRCh38, 1-based): chr9:418,170, T>G. VCF-style: chr9-418170-T-G. GRCh37 (hg19) VCF-style: chr9-418170-T-G.
Other names: p.Phe1268Cys; c.3503T>G, p.Phe1168Cys (NM_001190458.2); c.3599T>G, p.Phe1200Cys (NM_001193536.2); short protein forms F1168C, F1200C, F1268C.
Identifiers: ClinVar variation 4541415 (VCV004541415.1).

ClinVar aggregate classification (germline): Uncertain significance (1 of 4 stars; one submission).

gnomAD v4.1: 1 of 1,614,118 alleles (0.000062%); highest among the groups gnomAD compares: African/African-American, 0.0013%; no homozygotes.

Submission:

Mayo Clinic Laboratories, Mayo Clinic
Classification: Uncertain significance. Last evaluated: 2025-10-08. Review status: criteria provided, single submitter. Criteria: ACMG Guidelines, 2015. Collection method: clinical testing. Allele origin: germline. Observed: 1 variant allele.
Comment: BP4_moderate, PM2_supporting